The following is an entry in ClinVar:

NM_198576.4(AGRN):c.5749G>C (p.Asp1917His)

Gene: AGRN (agrin; plus strand). Cytogenetic location: 1p36.33.
Variant type: single nucleotide variant.
Coding change: c.5749G>C on transcript NM_198576.4 (MANE Select); coding-DNA position 5749, G replaced by C.
Protein change: p.Asp1917His; replaces aspartic acid 1917 with histidine.
Molecular consequence: missense variant.
Genome position (GRCh38, 1-based): chr1:1,053,850, G>C. VCF-style: chr1-1053850-G-C. GRCh37 (hg19) VCF-style: chr1-989230-G-C.
Other names: c.5818G>C, p.Asp1940His (NM_001305275.2); c.5446G>C, p.Asp1816His (NM_001364727.2); short protein forms D1816H, D1917H, D1940H.
Identifiers: ClinVar variation 2768495 (VCV002768495.3), dbSNP rs2522834407, ClinGen allele CA337785230.
Genomic context (GRCh38, chr1:1,053,850, plus strand): 5'-CTGCGCACTGAGGCCACGCAGGGGCTGGTGCTCTGGAGTGGCAAGGCCACGGAGCGGGCA[G>C]ACTATGTGGCACTGGCCATTGTGGACGGGCACCTGCAACTGAGCTACAACCTGGGCTCCC-3'
Protein context (NP_940978.2, residues 1907-1927): LWSGKATERA[Asp1917His]YVALAIVDGH

ClinVar aggregate classification (germline): Uncertain significance (1 of 4 stars; one submission).

Conditions:
Congenital myasthenic syndrome 8. Also called: MYASTHENIC SYNDROME, CONGENITAL, DUE TO AGRIN DEFICIENCY; Myasthenic syndrome, congenital, 8, with pre- and postsynaptic defects. Identifiers: Orphanet 590, MedGen C3808739, MONDO:0014052, OMIM 615120.

Submission:

Labcorp Genetics (formerly Invitae), Labcorp
Classification: Uncertain significance for Congenital myasthenic syndrome 8. Last evaluated: 2024-01-04. Review status: criteria provided, single submitter. Criteria: Invitae Variant Classification Sherloc (09022015). Collection method: clinical testing. Allele origin: germline.
Comment: This sequence change replaces aspartic acid, which is acidic and polar, with histidine, which is basic and polar, at codon 1917 of the AGRN protein (p.Asp1917His). This variant is not present in population databases (gnomAD no frequency). This variant has not been reported in the literature in individuals affected with AGRN-related conditions. An algorithm developed to predict the effect of missense changes on protein structure and function (PolyPhen-2) suggests that this variant is likely to be disruptive. In summary, the available evidence is currently insufficient to determine the role of this variant in disease. Therefore, it has been classified as a Variant of Uncertain Significance.